The following is an entry in ClinVar:

NM_001378615.1(CC2D2A):c.4455C>A (p.Tyr1485Ter)

Genes: FBXL5 (F-box and leucine rich repeat protein 5; minus strand), CC2D2A (coiled-coil and C2 domain containing 2A; plus strand). Cytogenetic location: 4p15.32.
Variant type: single nucleotide variant.
Coding change: c.4455C>A on transcript NM_001378615.1 (MANE Select); coding-DNA position 4455, C replaced by A.
Protein change: p.Tyr1485Ter; replaces tyrosine 1485 with a stop codon.
Molecular consequence: nonsense.
Genome position (GRCh38, 1-based): chr4:15,597,424, C>A. VCF-style: chr4-15597424-C-A. GRCh37 (hg19) VCF-style: chr4-15599047-C-A.
Other names: c.4455C>A, p.Tyr1485Ter (NM_001080522.2); c.4308C>A, p.Tyr1436Ter (NM_001378617.1); short protein forms Y1485*, Y1436*.
Identifiers: ClinVar variation 2950757 (VCV002950757.3), dbSNP rs2475148089, ClinGen allele CA356432106.

ClinVar aggregate classification (germline): Pathogenic (1 of 4 stars; one submission).

Conditions:
Joubert syndrome. Also called: JOUBERT-BOLTSHAUSER SYNDROME; Familial aplasia of the vermis. Identifiers: Orphanet 475, MedGen C5979921, MONDO:0018772.
Meckel-Gruber syndrome. Also called: DYSENCEPHALIA SPLANCHNOCYSTICA; GRUBER SYNDROME; Dysencephalia splachnocystica. Identifiers: Orphanet 564, MedGen C0265215, MONDO:0018921.

Submission:

Labcorp Genetics (formerly Invitae), Labcorp
Classification: Pathogenic for Joubert syndrome; Meckel-Gruber syndrome. Last evaluated: 2023-08-07. Review status: criteria provided, single submitter. Criteria: Invitae Variant Classification Sherloc (09022015). Collection method: clinical testing. Allele origin: germline.
Comment: This variant is not present in population databases (gnomAD no frequency). This variant has not been reported in the literature in individuals affected with CC2D2A-related conditions. For these reasons, this variant has been classified as Pathogenic. This sequence change creates a premature translational stop signal (p.Tyr1485*) in the CC2D2A gene. It is expected to result in an absent or disrupted protein product. Loss-of-function variants in CC2D2A are known to be pathogenic (PMID: 19777577).

Literature cited by the submitters: PubMed 19777577.